The following is an entry in ClinVar:

NM_014633.5(CTR9):c.2740G>A (p.Gly914Arg)

Gene: CTR9 (CTR9 component of Paf1/RNA polymerase II complex; plus strand). Cytogenetic location: 11p15.4.
Variant type: single nucleotide variant.
Coding change: c.2740G>A on transcript NM_014633.5 (MANE Select); coding-DNA position 2740, G replaced by A.
Protein change: p.Gly914Arg; replaces glycine 914 with arginine.
Molecular consequence: missense variant.
Genome position (GRCh38, 1-based): chr11:10,774,024, G>A. VCF-style: chr11-10774024-G-A. GRCh37 (hg19) VCF-style: chr11-10795571-G-A.
Other names: c.2668G>A, p.Gly890Arg (NM_001346279.2); short protein forms G914R, G890R.
Identifiers: ClinVar variation 3688212 (VCV003688212.2).

ClinVar aggregate classification (germline): Uncertain significance (1 of 4 stars; one submission).

gnomAD v4.1: 1 of 1,611,292 alleles (0.000062%); highest among the groups gnomAD compares: Non-Finnish European, 0.000085%; no homozygotes.

Submission:

Labcorp Genetics (formerly Invitae), Labcorp
Classification: Uncertain significance. Last evaluated: 2024-03-13. Review status: criteria provided, single submitter. Criteria: Invitae Variant Classification Sherloc (09022015). Collection method: clinical testing. Allele origin: germline.
Comment: This sequence change replaces glycine, which is neutral and non-polar, with arginine, which is basic and polar, at codon 914 of the CTR9 protein (p.Gly914Arg). This variant is not present in population databases (gnomAD no frequency). This variant has not been reported in the literature in individuals affected with CTR9-related conditions. An algorithm developed to predict the effect of missense changes on protein structure and function (PolyPhen-2) suggests that this variant is likely to be tolerated. In summary, the available evidence is currently insufficient to determine the role of this variant in disease. Therefore, it has been classified as a Variant of Uncertain Significance.